The following is an entry in ClinVar:

ClinVar aggregate classification (germline): Uncertain significance. Review status: criteria provided, multiple submitters, no conflicts (2 of 4 stars). 2 submissions from 2 submitters: Uncertain significance (2). Last evaluated 2023-08-16.

Conditions:
Familial thoracic aortic aneurysm and aortic dissection (TAAD). Also called: Thoracic aortic aneurysms and dissections. Identifiers: Orphanet 91387, MedGen C4707243, MONDO:0019625.

Submissions (2):

Labcorp Genetics (formerly Invitae), Labcorp
Classification: Uncertain significance for Familial thoracic aortic aneurysm and aortic dissection. Last evaluated: 2023-08-16. Review status: criteria provided, single submitter. Criteria: Invitae Variant Classification Sherloc (09022015). Collection method: clinical testing. Allele origin: germline.
Comment: In summary, the available evidence is currently insufficient to determine the role of this variant in disease. Therefore, it has been classified as a Variant of Uncertain Significance. Advanced modeling of protein sequence and biophysical properties (such as structural, functional, and spatial information, amino acid conservation, physicochemical variation, residue mobility, and thermodynamic stability) performed at Invitae indicates that this missense variant is expected to disrupt SMAD3 protein function. ClinVar contains an entry for this variant (Variation ID: 1774599). This variant has not been reported in the literature in individuals affected with SMAD3-related conditions. This variant is not present in population databases (gnomAD no frequency). This sequence change replaces leucine, which is neutral and non-polar, with proline, which is neutral and non-polar, at codon 51 of the SMAD3 protein (p.Leu51Pro).

Ambry Genetics
Classification: Uncertain significance for Familial thoracic aortic aneurysm and aortic dissection. Last evaluated: 2021-09-29. Review status: criteria provided, single submitter. Criteria: Ambry Variant Classification Scheme 2023. Collection method: clinical testing. Allele origin: germline.
Comment: The p.L51P variant (also known as c.152T>C), located in coding exon 1 of the SMAD3 gene, results from a T to C substitution at nucleotide position 152. The leucine at codon 51 is replaced by proline, an amino acid with similar properties. This missense alteration is located in a region that has a low rate of benign missense variation (Lek M et al. Nature. 2016 Aug 18;536(7616):285-91; DECIPHER: Database of Chromosomal Imbalance and Phenotype in Humans using Ensembl Resources. Firth H.V. et al. 2009. Am.J.Hum.Genet. 84, 524-533 (DOI)). This amino acid position is highly conserved in available vertebrate species. In addition, this alteration is predicted to be deleterious by in silico analysis. Since supporting evidence is limited at this time, the clinical significance of this alteration remains unclear.

NM_005902.4(SMAD3):c.152T>C (p.Leu51Pro)

Gene: SMAD3 (SMAD family member 3; plus strand). Cytogenetic location: 15q22.33.
Variant type: single nucleotide variant.
Coding change: c.152T>C on transcript NM_005902.4 (MANE Select); coding-DNA position 152, T replaced by C.
Protein change: p.Leu51Pro; replaces leucine 51 with proline.
Molecular consequence: missense variant.
Genome position (GRCh38, 1-based): chr15:67,066,306, T>C. VCF-style: chr15-67066306-T-C. GRCh37 (hg19) VCF-style: chr15-67358644-T-C.
Other names: c.152T>C, p.Leu51Pro (NM_001407011.1, NM_001407012.1, NM_001407013.1); short protein forms L51P.
Identifiers: ClinVar variation 1774599 (VCV001774599.5), dbSNP rs1595882150, ClinGen allele CA393203008.